The following is an entry in ClinVar:

ClinVar aggregate classification (germline): Uncertain significance. Review status: criteria provided, multiple submitters, no conflicts (2 of 4 stars). 2 submissions from 2 submitters: Uncertain significance (2). Last evaluated 2025-11-26.

Submissions (2):

Ambry Genetics
Classification: Uncertain significance. Last evaluated: 2025-11-26. Review status: criteria provided, single submitter. Criteria: Ambry Variant Classification Scheme 2023. Collection method: clinical testing. Allele origin: germline.

GeneDx
Classification: Uncertain significance. Last evaluated: 2024-03-07. Review status: criteria provided, single submitter. Criteria: GeneDx Variant Classification Process June 2021. Collection method: clinical testing. Allele origin: germline. Affected: yes.
Comment: In silico analysis supports that this missense variant has a deleterious effect on protein structure/function; Has not been previously published as pathogenic or benign to our knowledge

NM_139278.4(LGI3):c.940C>T (p.Arg314Cys)

Gene: LGI3 (leucine rich repeat LGI family member 3; minus strand). Cytogenetic location: 8p21.3.
Variant type: single nucleotide variant.
Coding change: c.940C>T on transcript NM_139278.4 (MANE Select); coding-DNA position 940, C replaced by T.
Protein change: p.Arg314Cys; replaces arginine 314 with cysteine.
Molecular consequence: missense variant.
Genome position (GRCh38, 1-based): chr8:22,148,867, G>A on the plus strand (C>T on the coding strand, the complement: LGI3 is on the minus strand). VCF-style: chr8-22148867-G-A. GRCh37 (hg19) VCF-style: chr8-22006380-G-A.
Other names: short protein forms R314C.
Identifiers: ClinVar variation 3370739 (VCV003370739.2).
Genomic context (GRCh38, chr8:22,148,867, plus strand): 5'-CTTCTAGGTCGTTAGGCTTGCGCACGCGCTGCGGGTCAATGTCTTGCAGCCTGGTGAAGC[G>A]CGTGGTGTTGGGATCCCAGTGGTAAATGTAAGAGCCGCCAAACAGCTGGGCCACGACCAC-3'
Protein context (NP_644807.1, residues 304-324): YIYHWDPNTT[Arg314Cys]FTRLQDIDPQ